The following is an entry in ClinVar:

NM_001270508.2(TNFAIP3):c.377T>C (p.Leu126Pro)

Gene: TNFAIP3 (TNF alpha induced protein 3; plus strand). Cytogenetic location: 6q23.3.
Variant type: single nucleotide variant.
Coding change: c.377T>C on transcript NM_001270508.2 (MANE Select); coding-DNA position 377, T replaced by C.
Protein change: p.Leu126Pro; replaces leucine 126 with proline.
Molecular consequence: missense variant.
Genome position (GRCh38, 1-based): chr6:137,874,926, T>C. VCF-style: chr6-137874926-T-C. GRCh37 (hg19) VCF-style: chr6-138196063-T-C.
Other names: c.377T>C, p.Leu126Pro (NM_001270507.2, NM_006290.4); short protein forms L126P.
Identifiers: ClinVar variation 4742736 (VCV004742736.1).

ClinVar aggregate classification (germline): Uncertain significance (1 of 4 stars; one submission).

Submission:

Labcorp Genetics (formerly Invitae), Labcorp
Classification: Uncertain significance. Last evaluated: 2025-09-04. Review status: criteria provided, single submitter. Criteria: Invitae Variant Classification Sherloc (09022015). Collection method: clinical testing. Allele origin: germline.
Comment: This sequence change replaces leucine, which is neutral and non-polar, with proline, which is neutral and non-polar, at codon 126 of the TNFAIP3 protein (p.Leu126Pro). This variant is not present in population databases (gnomAD no frequency). This variant has not been reported in the literature in individuals affected with TNFAIP3-related conditions. Invitae Evidence Modeling of protein sequence and biophysical properties (such as structural, functional, and spatial information, amino acid conservation, physicochemical variation, residue mobility, and thermodynamic stability) indicates that this missense variant is expected to disrupt TNFAIP3 protein function with a positive predictive value of 80%. In summary, the available evidence is currently insufficient to determine the role of this variant in disease. Therefore, it has been classified as a Variant of Uncertain Significance.